The following is an entry in ClinVar:

ClinVar aggregate classification (germline): Uncertain significance (1 of 4 stars; one submission).

Conditions:
Kabuki syndrome 1 (KABUK1). Also called: KMT2D-Related Kabuki Syndrome. Identifiers: Orphanet 2322, MedGen CN030661, MONDO:0007843, OMIM 147920.

Allele frequency attached by ClinVar (database versions not stated): TOPMed 0.00001; gnomAD 0.00002.
gnomAD v4.1: 2 of 1,197,858 alleles (0.00017%); highest among the groups gnomAD compares: Admixed American, 0.0022%; no homozygotes.

Submission:

Baylor-Hopkins Center for Mendelian Genomics, Johns Hopkins University School of Medicine
Classification: Uncertain significance for Kabuki syndrome 1. Review status: criteria provided, single submitter. Criteria: ACMG Guidelines, 2015. Collection method: research. Allele origin: unknown. Affected: yes. Observed: 1 variant allele.

Literature cited by the submitters: PubMed 29255178.

NM_005334.3(HCFC1):c.4086C>T (p.Thr1362=)

Gene: HCFC1 (host cell factor C1; minus strand). Cytogenetic location: Xq28.
Variant type: single nucleotide variant.
Coding change: c.4086C>T on transcript NM_005334.3 (MANE Select); coding-DNA position 4086, C replaced by T.
Protein change: p.Thr1362=; no amino-acid change (threonine 1362 retained).
Molecular consequence: synonymous variant.
Genome position (GRCh38, 1-based): chrX:153,954,313, G>A on the plus strand (C>T on the coding strand, the complement: HCFC1 is on the minus strand). VCF-style: chrX-153954313-G-A. GRCh37 (hg19) VCF-style: chrX-153219764-G-A.
Identifiers: ClinVar variation 430820 (VCV000430820.2), dbSNP rs1388599232, ClinGen allele CA519702140.